The following is an entry in ClinVar:

ClinVar aggregate classification (germline): Pathogenic/Likely pathogenic. Review status: criteria provided, multiple submitters, no conflicts (2 of 4 stars). 5 submissions from 5 submitters: Pathogenic (2); Likely pathogenic (2). 1 of the submissions does not count toward it. Last evaluated 2025-10-01.

Conditions:
RHO-related disorder. Also called: RHO-related condition.
Retinitis pigmentosa 4, autosomal recessive. Identifiers: MedGen C4016366.

Allele frequency attached by ClinVar (database versions not stated): TOPMed 0.00002; gnomAD 0.00003 and 0.00004; ExAC 0.00004.

Submissions (5):

Labcorp Genetics (formerly Invitae), Labcorp
Classification: Pathogenic. Last evaluated: 2025-10-01. Review status: criteria provided, single submitter. Criteria: Invitae Variant Classification Sherloc (09022015). Collection method: clinical testing. Allele origin: germline.
Comment: This sequence change creates a premature translational stop signal (p.Glu249*) in the RHO gene. It is expected to result in an absent or disrupted protein product. Loss-of-function variants in RHO are known to be pathogenic (PMID: 1303237, 21174529). This variant is present in population databases (rs104893783, gnomAD 0.004%). This premature translational stop signal has been observed in individual(s) with autosomal recessive retinitis pigmentosa (PMID: 1303237). ClinVar contains an entry for this variant (Variation ID: 13036). For these reasons, this variant has been classified as Pathogenic.

PreventionGenetics, part of Exact Sciences
Classification: Likely pathogenic for RHO-related condition. Last evaluated: 2025-07-01. Review status: criteria provided, single submitter. Criteria: ACMG Guidelines, 2015. Collection method: clinical testing. Allele origin: germline.
Comment: The RHO c.745G>T variant is predicted to result in premature protein termination (p.Glu249*). This variant has been reported in the homozygous state an individual with retinitis pigmentosa, and heterozygous carriers in this family were unaffected (Rosenfeld et al. 1992. PubMed ID: 1303237). This variant has also been reported in the heterozygous state in the absence of a second RHO variant in two individuals with retinal disease (Table S4, Panneman et al. 2023. PubMed ID: 36819107); however, this variant is listed in 0.0044% of alleles in individuals of European (Non-Finnish) descent in gnomAD, and has been reported in a carrier screen of the general population (Hanany et al. 2020. PubMed ID: 31964843). Functional studies have demonstrated that this variant causes the transcript to undergo nonsense mediated decay and therefore cannot produce a dominant negative effect (Hernan et al. 2011. PubMed ID: 21357407; Roman-Sanchez et al. 2015. PubMed ID: 26416182). This variant is interpreted as likely pathogenic for autosomal recessive disease.

Blueprint Genetics
Classification: Pathogenic for RHO-related disorders. Last evaluated: 2024-11-17. Review status: criteria provided, single submitter. Criteria: ACMG Guidelines, 2015. Collection method: clinical testing. Allele origin: germline. Affected: yes. Observed: 5 variant alleles.

GeneDx
Classification: Likely pathogenic. Last evaluated: 2019-02-26. Review status: criteria provided, single submitter. Criteria: GeneDx Variant Classification (06012015). Collection method: clinical testing. Allele origin: germline. Affected: yes.
Comment: The E249X variant in the RHO gene has been reported previously in association with autosomal recessive retinitis pigmentosa (Rosenfeld et al., 1992). This variant is predicted to cause loss of normal protein function either through protein truncation or nonsense-mediated mRNA decay. In vitro functional studies demonstrate reduction of mRNA levels, supporting degradation by nonsense-mediated mRNA decay (Hernan et al, 2011; Roman-Sanchez et al., 2016). The E249X variant is observed in 5/111696 (0.005%) alleles from individuals of non-Finnish European background in large population cohorts (Lek et al., 2016). We interpret E249X as a likely pathogenic variant.

OMIM
Classification: Pathogenic for RETINITIS PIGMENTOSA 4, AUTOSOMAL RECESSIVE. Last evaluated: 1992-06-01. Review status: no assertion criteria provided. Collection method: literature only. Allele origin: germline. Not counted in ClinVar's aggregate classification.

Literature cited by the submitters: PubMed 1303237 (cited by Labcorp Genetics (formerly Invitae), Labcorp and OMIM); PubMed 21174529 (cited by Labcorp Genetics (formerly Invitae), Labcorp); Rosenfeld, P. J., Cowley, G. S., Hahn, L. B., Sandberg, M. A., Berson, E. L., Dryja, T. P. A null mutation within the rhodopsin gene in a family with autosomal recessive retinitis pigmentosa. (Abstract) Invest. Ophthal. Vis. Sci. 33: 1397, 1992. (cited by OMIM).

NM_000539.3(RHO):c.745G>T (p.Glu249Ter)

Gene: RHO (rhodopsin; plus strand). Cytogenetic location: 3q22.1.
Variant type: single nucleotide variant.
Coding change: c.745G>T on transcript NM_000539.3 (MANE Select); coding-DNA position 745, G replaced by T.
Protein change: p.Glu249Ter; replaces glutamic acid 249 with a stop codon.
Molecular consequence: nonsense.
Genome position (GRCh38, 1-based): chr3:129,532,581, G>T. VCF-style: chr3-129532581-G-T. GRCh37 (hg19) VCF-style: chr3-129251424-G-T.
Other names: short protein forms E249*.
Identifiers: ClinVar variation 13036 (VCV000013036.14), dbSNP rs104893783, ClinGen allele CA122820.